The following is an entry in ClinVar:

NM_002579.3(PALM):c.749C>T (p.Thr250Met)

Gene: PALM (paralemmin; plus strand). Cytogenetic location: 19p13.3.
Variant type: single nucleotide variant.
Coding change: c.749C>T on transcript NM_002579.3 (MANE Select); coding-DNA position 749, C replaced by T.
Protein change: p.Thr250Met; replaces threonine 250 with methionine.
Molecular consequence: missense variant.
Genome position (GRCh38, 1-based): chr19:746,399, C>T. VCF-style: chr19-746399-C-T. GRCh37 (hg19) VCF-style: chr19-746399-C-T.
Other names: c.617C>T, p.Thr206Met (NM_001040134.2); short protein forms T206M, T250M.
Identifiers: ClinVar variation 2698036 (VCV002698036.3), dbSNP rs759181796, ClinGen allele CA9022760.

ClinVar aggregate classification (germline): Uncertain significance (1 of 4 stars; one submission).

Allele frequency attached by ClinVar (database versions not stated): gnomAD 0.00001; gnomAD exomes 0.00001; ExAC 0.00002; TOPMed 0.00002.

Submission:

Labcorp Genetics (formerly Invitae), Labcorp
Classification: Uncertain significance. Last evaluated: 2023-08-17. Review status: criteria provided, single submitter. Criteria: Invitae Variant Classification Sherloc (09022015). Collection method: clinical testing. Allele origin: germline.
Comment: In summary, the available evidence is currently insufficient to determine the role of this variant in disease. Therefore, it has been classified as a Variant of Uncertain Significance. An algorithm developed to predict the effect of missense changes on protein structure and function (PolyPhen-2) suggests that this variant is likely to be tolerated. This variant has not been reported in the literature in individuals affected with PALM-related conditions. This variant is present in population databases (rs759181796, gnomAD 0.006%). This sequence change replaces threonine, which is neutral and polar, with methionine, which is neutral and non-polar, at codon 250 of the PALM protein (p.Thr250Met).